The following is an entry in ClinVar:

ClinVar aggregate classification (germline): Uncertain significance. Review status: reviewed by expert panel (3 of 4 stars). 6 submissions from 6 submitters: Uncertain significance (1). 5 of the submissions do not count toward it. Last evaluated 2025-12-02.

Conditions:
BRCA2-related cancer predisposition. Identifiers: MedGen CN377758, MONDO:0700269.
Hereditary cancer-predisposing syndrome. Also called: Tumor predisposition; Hereditary Cancer Syndrome; Hereditary neoplastic syndrome; Neoplastic Syndromes, Hereditary. Identifiers: Orphanet 140162, MedGen C0027672, MeSH D009386, MONDO:0015356.
Fanconi anemia (FA). Also called: Fanconi's anemia. Identifiers: Orphanet 84, MedGen C0015625, MeSH D005199, MONDO:0019391.
Hereditary breast ovarian cancer syndrome. Also called: Breast and ovarian cancer; Hereditary breast and ovarian cancer syndrome; Hereditary breast and ovarian cancer; BRCA1- and BRCA2-Associated Hereditary Breast and Ovarian Cancer; Hereditary breast and ovarian cancer syndrome (HBOC); Hereditary breast and/or ovarian cancer syndrome. Identifiers: Orphanet 145, MedGen C0677776, MeSH D061325, MONDO:0003582. Disease mechanism: loss of function.
Fanconi anemia complementation group D1. Also called: BRCA2-Related Fanconi Anemia. Identifiers: Orphanet 319462, MedGen C1838457, MONDO:0011584, OMIM 605724.

Allele frequency attached by ClinVar (database versions not stated): gnomAD exomes below 0.00001.
gnomAD v4.1: 1 of 1,611,234 alleles (0.000062%); highest among the groups gnomAD compares: Admixed American, 0.0017%; no homozygotes.

Submissions (6):

ClinGen ENIGMA BRCA1 and BRCA2 Variant Curation Expert Panel, ClinGen
Classification: Uncertain significance for BRCA2-related cancer predisposition. Last evaluated: 2025-12-02. Review status: reviewed by expert panel. Criteria: CSpec BRCA12ACMG Rules Specifications V1.1. Collection method: curation. Allele origin: germline. Inheritance: Autosomal dominant inheritance.
Comment: The c.316G>A variant in BRCA2 is a missense variant predicted to cause substitution of Glycine by Arginine at amino acid 106 (p.(Gly106Arg)). This variant is present in gnomAD v2.1 (exomes only, non-cancer subset) or gnomAD v3.1 (non-cancer subset) but is below the ENIGMA BRCA1/2 VCEP threshold >0.00002 for BS1_Supporting (PM2_Supporting, BS1, and BA1 are not met). Missense variant shown to alter splicing (see PVS1 or BP7 for description), functional data considered only from assays that measure effect via mRNA and protein. Reported by one calibrated study to exhibit a partial impact on protein function, between what was observed for benign and pathogenic control variants (PMID:32641407) (PS3 and BS3 not met). This BRCA2 missense variant has a SpliceAI score of 0.29, predicting an impact on splicing (score threshold >0.20) (PP3 met). Multifactorial likelihood ratio analysis using clinically calibrated data produced a combined LR for this variant of 1.54 (based on Family History LR=1.54), which is above the ENIGMA BRCA1/2 VCEP threshold for BP5 (>0.48) and below PP4 (<2.08) (BP5 and PP4 not met; PMID: 31853058). This is a missense variant outside a key functional domain, and mRNA experimental analysis indicates production of a sufficient amount of wildtype transcript (PMID: 32641407), however the VCEP decided to currently not apply BP7_Strong (RNA) due to the results being close to the threshold (~30% WT or assumed functional transcript). They were compound heterozygous for the variant and a pathogenic or likely pathogenic variant (BRCA2:c.2808_2811del), confirmed to be in trans. Total points equated to 2 (PM3 met; PMIDs: 32641407, 36721989). In summary, this variant meets the criteria to be classified as a Variant of uncertain significance for BRCA2-related cancer predisposition based on the ACMG/AMP criteria applied as specified by the ENIGMA BRCA1/2 VCEP (PP3, PM3).

Ambry Genetics
Classification: Likely pathogenic for Hereditary cancer-predisposing syndrome. Last evaluated: 2025-04-14. Review status: criteria provided, single submitter. Criteria: Ambry Variant Classification Scheme 2023. Collection method: clinical testing. Allele origin: germline. Not counted in ClinVar's aggregate classification.
Comment: The c.316G>A variant (also known as p.G106R), located in coding exon 2 of the BRCA2 gene, results from a G to A substitution at nucleotide position 316. The amino acid change results in glycine to arginine at codon 106, an amino acid with dissimilar properties. This amino acid position is well conserved in available vertebrate species. In addition, this alteration is predicted to be tolerated by in silico analysis. However, this change occurs in the last base pair of coding exon 2, which makes it likely to have some effect on normal mRNA splicing. This nucleotide position is well conserved in available vertebrate species. In silico splice site analysis predicts that this alteration may weaken the native splice donor site. RNA studies have demonstrated that this variant leads to an incomplete splicing impact (Ambry internal data; Tubeuf H et al. Cancer Res, 2020 Sep;80:3593-3605). Molecular studies showed mouse embryonic stem cells with this variant had poor complementation and were sensitive to DNA damaging agents (Tubeuf H et al. Cancer Res, 2020 Sep;80:3593-3605). This alteration was identified to be in trans with another BRCA2 pathogenic variant in at least one individual diagnosed with Fanconi Anemia (Tubeuf H et al. Cancer Res, 2020 Sep;80:3593-3605; Radulovic I et al. Hum Mol Genet, 2023 May;32:1836-1849). Based on the majority of available evidence to date, this variant is likely to be pathogenic. However, because this variant is identified in one or more patients with Fanconi Anemia it may be hypomorphic and thus, carriers of this variant and their families may present with reduced risks, and not with the typical clinical characteristics of a high-risk pathogenic BRCA2 alteration. As risk estimates are unknown at this time, clinical correlation is advised.

Labcorp Genetics (formerly Invitae), Labcorp
Classification: Pathogenic for Hereditary breast ovarian cancer syndrome. Last evaluated: 2025-02-11. Review status: criteria provided, single submitter. Criteria: Invitae Variant Classification Sherloc (09022015). Collection method: clinical testing. Allele origin: germline. Not counted in ClinVar's aggregate classification.
Comment: This sequence change replaces glycine, which is neutral and non-polar, with arginine, which is basic and polar, at codon 106 of the BRCA2 protein (p.Gly106Arg). RNA analysis indicates that this missense change induces altered splicing and likely results in a shortened protein product. This variant is present in population databases (rs786201916, gnomAD 0.003%). This missense change has been observed in individual(s) with Fanconi anemia (PMID: 32641407, 36721989). In at least one individual the data is consistent with being in trans (on the opposite chromosome) from a pathogenic variant. ClinVar contains an entry for this variant (Variation ID: 185084). An algorithm developed to predict the effect of missense changes on protein structure and function (PolyPhen-2) suggests that this variant is likely to be disruptive. Experimental studies have shown that this missense change affects BRCA2 function (PMID: 32641407). Variants that disrupt the consensus splice site are a relatively common cause of aberrant splicing (PMID: 17576681, 9536098). Studies have shown that this missense change results in skipping of exon 3, but is expected to preserve the integrity of the reading-frame (PMID: 32641407). For these reasons, this variant has been classified as Pathogenic.

Women's Health and Genetics/Laboratory Corporation of America, LabCorp
Classification: Likely pathogenic for Fanconi anemia. Last evaluated: 2024-11-18. Review status: criteria provided, single submitter. Criteria: LabCorp Variant Classification Summary - May 2015. Collection method: clinical testing. Allele origin: germline. Not counted in ClinVar's aggregate classification.
Comment: Variant summary: BRCA2 c.316G>A (p.Gly106Arg) results in a non-conservative amino acid change in the encoded protein sequence. Four of five in-silico tools predict a benign effect of the variant on protein function. As the variant alters the last conserved nucleotide of exon 3, adjacent to the canonical splice donor site, several computational tools predict a significant impact on normal splicing: Three predict the variant weakens the canonical 5' splicing donor site. One predict the variant abolishes the canonical 5' splicing donor site. At least one publication reports experimental evidence that this variant affects mRNA splicing demonstrating a partial level of out of frame exon 3 skipping in >60% of transcripts (Tubeuf_2020). The variant allele was found at a frequency of 4e-06 in 249688 control chromosomes. c.316G>A has been reported in the literature as a maternally inherited allele in a compound heterozygous genotype in at-least one individual affected with Fanconi Anemia (example, Radulovic_2023 cited in Tubeuf_2020). A maternal family history of breast cancer was reported although the extent of genotyping was not provided (Tubeuf_2020). The following publications have been ascertained in the context of this evaluation (PMID: 36721989, 32641407, 27878467). ClinVar contains an entry for this variant (Variation ID: 185084). Based on the evidence outlined above, the variant was classified as likely pathogenic for autosomal recessive Fanconi Anemia and Autosomal Dominant Herediatry Breast and Ovarian Cancer (HBOC).

GeneDx
Classification: Uncertain significance. Last evaluated: 2023-05-01. Review status: criteria provided, single submitter. Criteria: GeneDx Variant Classification Process June 2021. Collection method: clinical testing. Allele origin: germline. Affected: yes. Not counted in ClinVar's aggregate classification.
Comment: Published functional studies are inconclusive: in vitro studies demonstrate partially aberrant splicing and partial rescue of cell survival, though the physiological relevance of a reduction (versus a complete loss) of BRCA2 is unknown (Tubeuf et al., 2020); Observed in individuals with Fanconi Anemia, including an individual with a pathogenic variant on the opposite allele (in trans) in published literature (Tubeuf et al., 2020; Radulovic et al., 2023); Observed in individuals with a personal and/or family history of breast and/or ovarian cancer (Yadav et al., 2017); In silico analysis supports that this missense variant does not alter protein structure/function; Not observed at significant frequency in large population cohorts (gnomAD); In silico analysis is inconclusive as to whether the variant alters gene splicing. In the absence of RNA/functional studies, the actual effect of this sequence change is unknown.; Also known as 544G>A; This variant is associated with the following publications: (PMID: 31911673, 29884841, 32377563, 36721989, 32641407, 27878467, 31853058)

Laboratory of Medical Genetics, National & Kapodistrian University of Athens
Classification: Likely pathogenic for Fanconi anemia complementation group D1. Last evaluated: 2021-10-05. Review status: criteria provided, single submitter. Criteria: ACMG Guidelines, 2015. Collection method: clinical testing. Allele origin: maternal. Affected: yes. Not counted in ClinVar's aggregate classification.
Comment: PVS1, PM2, PM3

Literature cited by the submitters: PubMed 32641407 (cited by 3 submitters); PubMed 36721989 (cited by 3 submitters); PubMed 17576681 (cited by Labcorp Genetics (formerly Invitae), Labcorp); PubMed 9536098 (cited by Labcorp Genetics (formerly Invitae), Labcorp); PubMed 27878467 (cited by Women's Health and Genetics/Laboratory Corporation of America, LabCorp).

NM_000059.4(BRCA2):c.316G>A (p.Gly106Arg)

Gene: BRCA2 (BRCA2 DNA repair associated; plus strand). Cytogenetic location: 13q13.1.
Variant type: single nucleotide variant.
Coding change: c.316G>A on transcript NM_000059.4 (MANE Select); coding-DNA position 316, G replaced by A.
Protein change: p.Gly106Arg; replaces glycine 106 with arginine.
Molecular consequence: missense variant.
Genome position (GRCh38, 1-based): chr13:32,319,325, G>A. VCF-style: chr13-32319325-G-A. GRCh37 (hg19) VCF-style: chr13-32893462-G-A.
Other names: NM_000059.4(BRCA2):c.316G>A; p.Gly106Arg; short protein forms G106R.
Identifiers: ClinVar variation 185084 (VCV000185084.18), dbSNP rs786201916, ClinGen allele CA017418.